The following is an entry in ClinVar:

ClinVar aggregate classification (germline): Likely pathogenic (1 of 4 stars; one submission).

Conditions:
Glutaric acidemia type 2A.

Submission:

Natera, Inc.
Classification: Likely pathogenic for Glutaric acidemia type 2A. Last evaluated: 2025-12-10. Review status: criteria provided, single submitter. Criteria: Natera Variant Classification Schema (03/2026). Collection method: clinical testing. Allele origin: germline.
Comment: The c.347G>T variant in ETFA is a missense variant predicted to cause substitution of glycine to valine at amino acid 116. This variant is rare in the general population with a frequency below the threshold expected for the associated phenotype(s). This variant has been observed in one or more individuals affected with the associated recessive disease, as either homozygous or compound heterozygous with a second variant (PMID: 30612563). A different variant at the same position has been determined to be Pathogenic or Likely Pathogenic. Computational prediction algorithms indicate this variant is likely to affect gene or protein function. Given the available evidence, this variant is classified as Likely Pathogenic.

Literature cited by the submitters: PubMed 30612563.

NM_000126.4(ETFA):c.347G>T (p.Gly116Val)

Gene: ETFA (electron transfer flavoprotein subunit alpha; minus strand). Cytogenetic location: 15q24.2.
Variant type: single nucleotide variant.
Coding change: c.347G>T on transcript NM_000126.4 (MANE Select); coding-DNA position 347, G replaced by T.
Protein change: p.Gly116Val; replaces glycine 116 with valine.
Molecular consequence: missense variant.
Genome position (GRCh38, 1-based): chr15:76,292,435, C>A on the plus strand (G>T on the coding strand, the complement: ETFA is on the minus strand). VCF-style: chr15-76292435-C-A. GRCh37 (hg19) VCF-style: chr15-76584776-C-A.
Other names: c.200G>T, p.Gly67Val (NM_001127716.2); short protein forms G116V, G67V.
Identifiers: ClinVar variation 4817471 (VCV004817471.1).
Genomic context (GRCh38, chr15:76,292,435, plus strand): 5'-TGAAATCTAACCCTTTCAAGCAGTGATATCAGATTCCACATTCTCAACCTTCTCACCTTT[C>A]CGAAGGCAGATGCTCCAGCACAGATGTGTGTGTAATTGAACTGCTTCTGAGTTGCCAAAA-3'
Protein context (NP_000117.1, residues 106-126): THICAGASAF[Gly116Val]KNLLPRVAAK